The following is an entry in ClinVar:

ClinVar aggregate classification (germline): Uncertain significance (1 of 4 stars; one submission).

Conditions:
Multiple congenital anomalies-hypotonia-seizures syndrome 1 (MCAHS1). Also called: PIGN-CDG; Congenital disorder of glycosylation due to PIGN deficiency; GLYCOSYLPHOSPHATIDYLINOSITOL BIOSYNTHESIS DEFECT 3. Identifiers: Orphanet 280633, MedGen C3279775, MONDO:0013563, OMIM 614080.

Submission:

Labcorp Genetics (formerly Invitae), Labcorp
Classification: Uncertain significance for Multiple congenital anomalies-hypotonia-seizures syndrome 1. Last evaluated: 2021-09-05. Review status: criteria provided, single submitter. Criteria: Invitae Variant Classification Sherloc (09022015). Collection method: clinical testing. Allele origin: germline.
Comment: This variant is not present in population databases (ExAC no frequency). This sequence change falls in intron 15 of the PIGN gene. It does not directly change the encoded amino acid sequence of the PIGN protein. This variant has not been reported in the literature in individuals affected with PIGN-related conditions. Algorithms developed to predict the effect of sequence changes on RNA splicing suggest that this variant may disrupt the consensus splice site. In summary, the available evidence is currently insufficient to determine the role of this variant in disease. Therefore, it has been classified as a Variant of Uncertain Significance.

NM_176787.5(PIGN):c.1252-7T>G

Gene: PIGN (phosphatidylinositol glycan anchor biosynthesis class N; minus strand). Cytogenetic location: 18q21.33.
Variant type: single nucleotide variant.
Coding change: c.1252-7T>G on transcript NM_176787.5 (MANE Select); 7 bases into the intron before coding-DNA position 1252, T replaced by G.
Molecular consequence: intron variant.
Genome position (GRCh38, 1-based): chr18:62,113,323, A>C on the plus strand (T>G on the coding strand, the complement: PIGN is on the minus strand). VCF-style: chr18-62113323-A-C. GRCh37 (hg19) VCF-style: chr18-59780556-A-C.
Other names: c.1252-7T>G (NM_012327.6).
Identifiers: ClinVar variation 1379845 (VCV001379845.6), dbSNP rs2146580626, ClinGen allele CA2573155492.